The following is an entry in ClinVar:

ClinVar aggregate classification (germline): Benign/Likely benign. Review status: criteria provided, multiple submitters, no conflicts (2 of 4 stars). 3 submissions from 3 submitters: Benign (2); Likely benign (1). Last evaluated 2026-01-05.

Conditions:
Adult-onset autosomal dominant demyelinating leukodystrophy. Identifiers: Orphanet 99027, MedGen C1868512, MONDO:0008215.

Allele frequency attached by ClinVar (database versions not stated): gnomAD 0.00003; TOPMed 0.00011; ExAC 0.00013.
gnomAD v4.1: 73 of 1,614,032 alleles (0.0045%); highest among the groups gnomAD compares: East Asian, 0.12%; no homozygotes.

Submissions (3):

Labcorp Genetics (formerly Invitae), Labcorp
Classification: Benign. Last evaluated: 2026-01-05. Review status: criteria provided, single submitter. Criteria: Invitae Variant Classification Sherloc (09022015). Collection method: clinical testing. Allele origin: germline.

Blueprint Genetics
Classification: Likely benign. Last evaluated: 2022-04-22. Review status: criteria provided, single submitter. Criteria: ACMG Guidelines, 2015. Collection method: clinical testing. Allele origin: germline.

Illumina Laboratory Services, Illumina
Classification: Benign for Leukodystrophy, demyelinating, adult-onset, autosomal dominant, typical. Last evaluated: 2018-01-12. Review status: criteria provided, single submitter. Criteria: ICSL Variant Classification Criteria 13 December 2019. Collection method: clinical testing. Allele origin: germline.
Comment: This variant was observed in the ICSL laboratory as part of a predisposition screen in an ostensibly healthy population. It had not been previously curated by ICSL or reported in the Human Gene Mutation Database (HGMD: prior to June 1st, 2018), and was therefore a candidate for classification through an automated scoring system. Utilizing variant allele frequency, disease prevalence and penetrance estimates, and inheritance mode, an automated score was calculated to assess if this variant is too frequent to cause the disease. Based on the score and internal cut-off values, a variant classified as benign is not then subjected to further curation. The score for this variant resulted in a classification of benign for this disease.

NM_005573.4(LMNB1):c.1023C>T (p.Asp341=)

Gene: LMNB1 (lamin B1; plus strand). Cytogenetic location: 5q23.2.
Variant type: single nucleotide variant.
Coding change: c.1023C>T on transcript NM_005573.4 (MANE Select); coding-DNA position 1023, C replaced by T.
Protein change: p.Asp341=; no amino-acid change (aspartic acid 341 retained).
Molecular consequence: synonymous variant. On other transcripts: non-coding transcript variant (1).
Genome position (GRCh38, 1-based): chr5:126,819,005, C>T. VCF-style: chr5-126819005-C-T. GRCh37 (hg19) VCF-style: chr5-126154697-C-T.
Other names: c.393C>T, p.Asp131= (NM_001198557.2).
Identifiers: ClinVar variation 350616 (VCV000350616.13), dbSNP rs886059858, ClinGen allele CA3390618.